The following is an entry in ClinVar:

ClinVar aggregate classification (germline): Uncertain significance (1 of 4 stars; one submission).

Submission:

Labcorp Genetics (formerly Invitae), Labcorp
Classification: Uncertain significance. Last evaluated: 2023-10-06. Review status: criteria provided, single submitter. Criteria: Invitae Variant Classification Sherloc (09022015). Collection method: clinical testing. Allele origin: germline.
Comment: This sequence change replaces alanine, which is neutral and non-polar, with threonine, which is neutral and polar, at codon 161 of the AQP2 protein (p.Ala161Thr). This variant is not present in population databases (gnomAD no frequency). This variant has not been reported in the literature in individuals affected with AQP2-related conditions. Advanced modeling of protein sequence and biophysical properties (such as structural, functional, and spatial information, amino acid conservation, physicochemical variation, residue mobility, and thermodynamic stability) performed at Invitae indicates that this missense variant is not expected to disrupt AQP2 protein function. In summary, the available evidence is currently insufficient to determine the role of this variant in disease. Therefore, it has been classified as a Variant of Uncertain Significance.

NM_000486.6(AQP2):c.481G>A (p.Ala161Thr)

Genes: AQP2 (aquaporin 2; plus strand), AQP5-AS1 (AQP5 and AQP2 antisense RNA 2; minus strand). Cytogenetic location: 12q13.12.
Variant type: single nucleotide variant.
Coding change: c.481G>A on transcript NM_000486.6 (MANE Select); coding-DNA position 481, G replaced by A.
Protein change: p.Ala161Thr; replaces alanine 161 with threonine.
Molecular consequence: missense variant. On other transcripts: non-coding transcript variant (1).
Genome position (GRCh38, 1-based): chr12:49,954,275, G>A. VCF-style: chr12-49954275-G-A. GRCh37 (hg19) VCF-style: chr12-50348058-G-A.
Other names: short protein forms A161T.
Identifiers: ClinVar variation 2985746 (VCV002985746.3), dbSNP rs1483226930, ClinGen allele CA384773930.